The following is an entry in ClinVar:

ClinVar aggregate classification (germline): Uncertain significance. Review status: criteria provided, multiple submitters, no conflicts (2 of 4 stars). 2 submissions from 2 submitters: Uncertain significance (2). Last evaluated 2025-06-29.

Conditions:
Inborn genetic diseases. Identifiers: MedGen C0950123, MeSH D030342.

Allele frequency attached by ClinVar (database versions not stated): gnomAD exomes below 0.00001.
gnomAD v4.1: 2 of 1,614,204 alleles (0.00012%); highest among the groups gnomAD compares: Admixed American, 0.0033%; no homozygotes.

Submissions (2):

Ambry Genetics
Classification: Uncertain significance for Inborn genetic diseases. Last evaluated: 2025-06-29. Review status: criteria provided, single submitter. Criteria: Ambry Variant Classification Scheme 2023. Collection method: clinical testing. Allele origin: germline.

Labcorp Genetics (formerly Invitae), Labcorp
Classification: Uncertain significance. Last evaluated: 2024-02-24. Review status: criteria provided, single submitter. Criteria: Invitae Variant Classification Sherloc (09022015). Collection method: clinical testing. Allele origin: germline.
Comment: This sequence change replaces methionine, which is neutral and non-polar, with leucine, which is neutral and non-polar, at codon 686 of the BNC2 protein (p.Met686Leu). This variant is present in population databases (no rsID available, gnomAD 0.003%). This variant has not been reported in the literature in individuals affected with BNC2-related conditions. ClinVar contains an entry for this variant (Variation ID: 2096014). Algorithms developed to predict the effect of missense changes on protein structure and function output the following: SIFT: "Not Available"; PolyPhen-2: "Benign"; Align-GVGD: "Not Available". The leucine amino acid residue is found in multiple mammalian species, which suggests that this missense change does not adversely affect protein function. In summary, the available evidence is currently insufficient to determine the role of this variant in disease. Therefore, it has been classified as a Variant of Uncertain Significance.

NM_017637.6(BNC2):c.2056A>C (p.Met686Leu)

Genes: BNC2 (basonuclin zinc finger protein 2; minus strand), LOC126860585 (MED14-independent group 3 enhancer GRCh37_chr9:16435259-16436458; plus strand). Cytogenetic location: 9p22.3.
Variant type: single nucleotide variant.
Coding change: c.2056A>C on transcript NM_017637.6 (MANE Select); coding-DNA position 2056, A replaced by C.
Protein change: p.Met686Leu; replaces methionine 686 with leucine.
Molecular consequence: missense variant.
Genome position (GRCh38, 1-based): chr9:16,436,138, T>G on the plus strand (A>C on the coding strand, the complement: BNC2 is on the minus strand). VCF-style: chr9-16436138-T-G. GRCh37 (hg19) VCF-style: chr9-16436136-T-G.
Other names: c.1930A>C, p.Met644Leu (NM_001317939.2); c.1771A>C, p.Met591Leu (NM_001317940.2); short protein forms M686L, M591L, M644L.
Identifiers: ClinVar variation 2096014 (VCV002096014.5), dbSNP rs1312633813, ClinGen allele CA372991564.